The following is an entry in ClinVar:

NM_024782.3(NHEJ1):c.390+1G>A

Gene: NHEJ1 (non-homologous end joining factor 1; minus strand). Cytogenetic location: 2q35.
Variant type: single nucleotide variant.
Coding change: c.390+1G>A on transcript NM_024782.3 (MANE Select); the canonical splice donor site of the intron after coding-DNA position 390, G replaced by A.
Molecular consequence: splice donor variant.
Genome position (GRCh38, 1-based): chr2:219,157,471, C>T on the plus strand (G>A on the coding strand, the complement: NHEJ1 is on the minus strand). VCF-style: chr2-219157471-C-T. GRCh37 (hg19) VCF-style: chr2-220022193-C-T.
Other names: c.390+1G>A (NM_001377499.1, NM_001377498.1).
Identifiers: ClinVar variation 2030417 (VCV002030417.4), dbSNP rs786205547, ClinGen allele CA350631062.

ClinVar aggregate classification (germline): Likely pathogenic (1 of 4 stars; one submission).

Conditions:
Cernunnos-XLF deficiency (IMD124). Also called: SCID, AUTOSOMAL RECESSIVE, T CELL-NEGATIVE, B CELL-NEGATIVE, NK CELL-POSITIVE, WITH MICROCEPHALY, GROWTH RETARDATION, AND SENSITIVITY TO IONIZING RADIATION; Severe combined immunodeficiency with sensitivity to ionizing radiation due to NHEJ1 deficiency; SCID, autosomal recessive, T cell-negative, B cell-negative, NK cell-positive, and sensitivity to ionizing radiation due to NHEJ1 deficiency; IMMUNODEFICIENCY 124, SEVERE COMBINED; NHEJ1 SYNDROME. Identifiers: Orphanet 169079, MedGen C1969799, MONDO:0012650, OMIM 611291.

Submission:

Labcorp Genetics (formerly Invitae), Labcorp
Classification: Likely pathogenic for Cernunnos-XLF deficiency. Last evaluated: 2023-04-17. Review status: criteria provided, single submitter. Criteria: Invitae Variant Classification Sherloc (09022015). Collection method: clinical testing. Allele origin: germline.
Comment: In summary, the currently available evidence indicates that the variant is pathogenic, but additional data are needed to prove that conclusively. Therefore, this variant has been classified as Likely Pathogenic. Studies have shown that disruption of this splice site is associated with altered splicing resulting in multiple RNA products (PMID: 28741180). ClinVar contains an entry for this variant (Variation ID: 2030417). Disruption of this splice site has been observed in individual(s) with clinical features of NHEJ1-related conditions (PMID: 28741180). This variant is not present in population databases (gnomAD no frequency). This sequence change affects a donor splice site in intron 3 of the NHEJ1 gene. It is expected to disrupt RNA splicing. Variants that disrupt the donor or acceptor splice site typically lead to a loss of protein function (PMID: 16199547), and loss-of-function variants in NHEJ1 are known to be pathogenic (PMID: 16439204, 20597108).

Literature cited by the submitters: PubMed 28741180; PubMed 16199547; PubMed 16439204; PubMed 20597108.